The following is an entry in ClinVar:

ClinVar aggregate classification (germline): Conflicting classifications of pathogenicity. Review status: criteria provided, conflicting classifications (1 of 4 stars). 7 submissions from 7 submitters: Uncertain significance (2); Benign (1); Likely benign (4). Last evaluated 2026-06-01.

Conditions:
Inborn genetic diseases. Identifiers: MedGen C0950123, MeSH D030342.
Cortical dysplasia-focal epilepsy syndrome (PTHSL1). Also called: Pitt-Hopkins-like syndrome 1. Identifiers: Orphanet 163681, Orphanet 221150, MedGen C2750246, MONDO:0012400, OMIM 610042.

Allele frequency attached by ClinVar (database versions not stated): ExAC 0.00035; gnomAD exomes 0.00038; gnomAD 0.00041 and 0.00042; TOPMed 0.00051; ESP Exome Variant Server 0.00069.
gnomAD v4.1: 1,000 of 1,614,180 alleles (0.062%); highest among the groups gnomAD compares: Non-Finnish European, 0.079%; 1 homozygote.

Submissions (7):

CeGaT Center for Human Genetics Tuebingen
Classification: Likely benign. Last evaluated: 2026-06-01. Review status: criteria provided, single submitter. Criteria: CeGaT Center For Human Genetics Tuebingen Variant Classification Criteria Version 2. Collection method: clinical testing. Allele origin: germline. Affected: yes. Observed: 2 variant alleles.
Comment: CNTNAP2: BP4, BP7

Labcorp Genetics (formerly Invitae), Labcorp
Classification: Likely benign for Cortical dysplasia-focal epilepsy syndrome. Last evaluated: 2026-01-13. Review status: criteria provided, single submitter. Criteria: Invitae Variant Classification Sherloc (09022015). Collection method: clinical testing. Allele origin: germline.

Blueprint Genetics
Classification: Likely benign. Last evaluated: 2024-05-22. Review status: criteria provided, single submitter. Criteria: ACMG Guidelines, 2015. Collection method: clinical testing. Allele origin: germline.

Illumina Laboratory Services, Illumina
Classification: Uncertain significance for Cortical dysplasia-focal epilepsy syndrome. Last evaluated: 2018-01-13. Review status: criteria provided, single submitter. Criteria: ICSL Variant Classification Criteria 13 December 2019. Collection method: clinical testing. Allele origin: germline.

Eurofins Ntd Llc (ga)
Classification: Uncertain significance. Last evaluated: 2017-09-14. Review status: criteria provided, single submitter. Criteria: EGL Classification Definitions 2015. Collection method: clinical testing. Allele origin: germline. Observed: 2 variant alleles, 2 heterozygotes.

Ambry Genetics
Classification: Likely benign for Inborn genetic diseases. Last evaluated: 2017-05-25. Review status: criteria provided, single submitter. Criteria: Ambry Variant Classification Scheme 2023. Collection method: clinical testing. Allele origin: germline.

GeneDx
Classification: Benign. Last evaluated: 2013-11-05. Review status: criteria provided, single submitter. Criteria: GeneDx Variant Classification (06012015). Collection method: clinical testing. Allele origin: germline. Affected: yes.
Comment: This variant is considered likely benign or benign based on one or more of the following criteria: it is a conservative change, it occurs at a poorly conserved position in the protein, it is predicted to be benign by multiple in silico algorithms, and/or has population frequency not consistent with disease.

NM_014141.6(CNTNAP2):c.3927C>T (p.Ala1309=)

Gene: CNTNAP2 (contactin associated protein 2; plus strand). Cytogenetic location: 7q36.1.
Variant type: single nucleotide variant.
Coding change: c.3927C>T on transcript NM_014141.6 (MANE Select); coding-DNA position 3927, C replaced by T.
Protein change: p.Ala1309=; no amino-acid change (alanine 1309 retained).
Molecular consequence: synonymous variant.
Genome position (GRCh38, 1-based): chr7:148,415,547, C>T. VCF-style: chr7-148415547-C-T. GRCh37 (hg19) VCF-style: chr7-148112639-C-T.
Other names: p.A1309A:GCC>GCT.
Identifiers: ClinVar variation 136834 (VCV000136834.29), dbSNP rs143856702, ClinGen allele CA290195.